The following is an entry in ClinVar:

ClinVar aggregate classification (germline): Likely benign (1 of 4 stars; one submission).

Submission:

Women's Health and Genetics/Laboratory Corporation of America, LabCorp
Classification: Likely benign. Last evaluated: 2025-03-10. Review status: criteria provided, single submitter. Criteria: LabCorp Variant Classification Summary - May 2015. Collection method: clinical testing. Allele origin: germline.
Comment: Variant summary: COL1A1 c.2614-14T>C alters a nucleotide located at a position not widely known to affect splicing. Consensus agreement among computation tools predict no significant impact on normal splicing. However, these predictions have yet to be confirmed by functional studies. The frequency data for this variant in gnomAD is considered unreliable, as metrics indicate poor data quality at this position. To our knowledge, no occurrence of c.2614-14T>C in individuals affected with Osteogenesis imperfecta type I and no experimental evidence demonstrating its impact on protein function have been reported. No submitters have cited clinical-significance assessments for this variant to ClinVar. Based on the evidence outlined above, the variant was classified as likely benign.

NM_000088.4(COL1A1):c.2614-14T>C

Gene: COL1A1 (collagen type I alpha 1 chain; minus strand). Cytogenetic location: 17q21.33.
Variant type: single nucleotide variant.
Coding change: c.2614-14T>C on transcript NM_000088.4 (MANE Select); 14 bases into the intron before coding-DNA position 2614, T replaced by C.
Molecular consequence: intron variant.
Genome position (GRCh38, 1-based): chr17:50,189,746, A>G on the plus strand (T>C on the coding strand, the complement: COL1A1 is on the minus strand). VCF-style: chr17-50189746-A-G. GRCh37 (hg19) VCF-style: chr17-48267107-A-G.
Identifiers: ClinVar variation 3895743 (VCV003895743.1).
Genomic context (GRCh38, chr17:50,189,746, plus strand): 5'-CCAGGAGGACCGACTCGGCCAGCAGCACCAGGGAAACCAGTAGCACCCTGGAAGGAGAGA[A>G]CATAGGAACAGTCAGAGGGAGAACAGCCAACTCATCCGACCCAGCTGCCCTCACCTGCCA-3'